The following is an entry in ClinVar:

NM_005732.4(RAD50):c.1778G>T (p.Arg593Ile)

Gene: RAD50 (RAD50 double strand break repair protein; plus strand). Cytogenetic location: 5q31.1.
Variant type: single nucleotide variant.
Coding change: c.1778G>T on transcript NM_005732.4 (MANE Select); coding-DNA position 1778, G replaced by T.
Protein change: p.Arg593Ile; replaces arginine 593 with isoleucine.
Molecular consequence: missense variant.
Genome position (GRCh38, 1-based): chr5:132,592,019, G>T. VCF-style: chr5-132592019-G-T. GRCh37 (hg19) VCF-style: chr5-131927711-G-T.
Other names: short protein forms R593I.
Identifiers: ClinVar variation 2010424 (VCV002010424.4), dbSNP rs2479643885, ClinGen allele CA360946758.

ClinVar aggregate classification (germline): Uncertain significance (1 of 4 stars; one submission).

Conditions:
Hereditary cancer-predisposing syndrome. Also called: Tumor predisposition; Neoplastic Syndromes, Hereditary; Hereditary Cancer Syndrome; Hereditary neoplastic syndrome. Identifiers: Orphanet 140162, MedGen C0027672, MeSH D009386, MONDO:0015356.

Submission:

Labcorp Genetics (formerly Invitae), Labcorp
Classification: Uncertain significance for Hereditary cancer-predisposing syndrome. Last evaluated: 2022-06-24. Review status: criteria provided, single submitter. Criteria: Invitae Variant Classification Sherloc (09022015). Collection method: clinical testing. Allele origin: germline.
Comment: In summary, the available evidence is currently insufficient to determine the role of this variant in disease. Therefore, it has been classified as a Variant of Uncertain Significance. Algorithms developed to predict the effect of missense changes on protein structure and function are either unavailable or do not agree on the potential impact of this missense change (SIFT: "Deleterious"; PolyPhen-2: "Benign"; Align-GVGD: "Class C0"). This variant has not been reported in the literature in individuals affected with RAD50-related conditions. This variant is not present in population databases (gnomAD no frequency). This sequence change replaces arginine, which is basic and polar, with isoleucine, which is neutral and non-polar, at codon 593 of the RAD50 protein (p.Arg593Ile).